The following is an entry in ClinVar:

ClinVar aggregate classification (germline): Uncertain significance (1 of 4 stars; one submission).

Conditions:
Inborn genetic diseases. Identifiers: MedGen C0950123, MeSH D030342.

gnomAD v4.1: 1 of 1,613,936 alleles (0.000062%); highest among the groups gnomAD compares: South Asian, 0.0011%; no homozygotes.

Submission:

Ambry Genetics
Classification: Uncertain significance for Inborn genetic diseases. Last evaluated: 2022-05-24. Review status: criteria provided, single submitter. Criteria: Ambry Variant Classification Scheme 2023. Collection method: clinical testing. Allele origin: germline.
Comment: The p.E2438D variant (also known as c.7314G>C), located in coding exon 43 of the ATR gene, results from a G to C substitution at nucleotide position 7314. The glutamic acid at codon 2438 is replaced by aspartic acid, an amino acid with highly similar properties. This amino acid position is conserved. In addition, the in silico prediction for this alteration is inconclusive. Since supporting evidence is limited at this time, the clinical significance of this alteration remains unclear.

NM_001184.4(ATR):c.7314G>C (p.Glu2438Asp)

Gene: ATR (ATR checkpoint kinase; minus strand). Cytogenetic location: 3q23.
Variant type: single nucleotide variant.
Coding change: c.7314G>C on transcript NM_001184.4 (MANE Select); coding-DNA position 7314, G replaced by C.
Protein change: p.Glu2438Asp; replaces glutamic acid 2438 with aspartic acid.
Molecular consequence: missense variant.
Genome position (GRCh38, 1-based): chr3:142,459,262, C>G on the plus strand (G>C on the coding strand, the complement: ATR is on the minus strand). VCF-style: chr3-142459262-C-G. GRCh37 (hg19) VCF-style: chr3-142178104-C-G.
Other names: c.7122G>C, p.Glu2374Asp (NM_001354579.2); short protein forms E2438D, E2374D.
Identifiers: ClinVar variation 1758277 (VCV001758277.2), dbSNP rs2108261454, ClinGen allele CA354796604.
Genomic context (GRCh38, chr3:142,459,262, plus strand): 5'-ACGTATTATATTCTTGGTAACTTACCATGATGTAGGATCAGGGAATGTTCTCAGAAACCA[C>G]TCATGAAAAATAGGAGGATGCCTGGGCAGGAGAAATTCTCGGAATACTTTGAGTTTTTCA-3'
Protein context (NP_001175.2, residues 2428-2448): LLPRHPPIFH[Glu2438Asp]WFLRTFPDPT